The following is an entry in ClinVar:

ClinVar aggregate classification (germline): Uncertain significance (1 of 4 stars; one submission).

Conditions:
Hereditary cancer-predisposing syndrome. Also called: Neoplastic Syndromes, Hereditary; Tumor predisposition; Hereditary Cancer Syndrome; Hereditary neoplastic syndrome. Identifiers: Orphanet 140162, MedGen C0027672, MeSH D009386, MONDO:0015356.

Submission:

Ambry Genetics
Classification: Uncertain significance for Hereditary cancer-predisposing syndrome. Last evaluated: 2025-12-18. Review status: criteria provided, single submitter. Criteria: Ambry Variant Classification Scheme 2023. Collection method: clinical testing. Allele origin: germline.
Comment: The p.E929G variant (also known as c.2786A>G), located in coding exon 13 of the BLM gene, results from an A to G substitution at nucleotide position 2786. The glutamic acid at codon 929 is replaced by glycine, an amino acid with similar properties. This amino acid position is conserved. In addition, this alteration is predicted to be tolerated by in silico analysis. Based on the available evidence, the clinical significance of this variant remains unclear.

NM_000057.4(BLM):c.2786A>G (p.Glu929Gly)

Gene: BLM (BLM RecQ like helicase; plus strand). Cytogenetic location: 15q26.1.
Variant type: single nucleotide variant.
Coding change: c.2786A>G on transcript NM_000057.4 (MANE Select); coding-DNA position 2786, A replaced by G.
Protein change: p.Glu929Gly; replaces glutamic acid 929 with glycine.
Molecular consequence: missense variant.
Genome position (GRCh38, 1-based): chr15:90,785,044, A>G. VCF-style: chr15-90785044-A-G. GRCh37 (hg19) VCF-style: chr15-91328274-A-G.
Other names: c.2786A>G, p.Glu929Gly (NM_001287246.2, NM_001287247.2); c.1661A>G, p.Glu554Gly (NM_001287248.2); short protein forms E929G, E554G.
Identifiers: ClinVar variation 4843387 (VCV004843387.1).
Genomic context (GRCh38, chr15:90,785,044, plus strand): 5'-AGAGAGATGGGCTCGCTGCTCTTGCTTACCATGCTGGCCTCAGTGATTCTGCCAGAGATG[A>G]AGTGCAGCAGAAGTGGATTAATCAGGATGGCTGTCAGGTAACATTTTTAAAGATAAACAA-3'
Protein context (NP_000048.1, residues 919-939): HAGLSDSARD[Glu929Gly]VQQKWINQDG